The following is an entry in ClinVar:

NM_005458.8(GABBR2):c.2229+4C>G

Gene: GABBR2 (gamma-aminobutyric acid type B receptor subunit 2; minus strand). Cytogenetic location: 9q22.33.
Variant type: single nucleotide variant.
Coding change: c.2229+4C>G on transcript NM_005458.8 (MANE Select); 4 bases into the intron after coding-DNA position 2229, C replaced by G.
Molecular consequence: intron variant.
Genome position (GRCh38, 1-based): chr9:98,306,117, G>C on the plus strand (C>G on the coding strand, the complement: GABBR2 is on the minus strand). VCF-style: chr9-98306117-G-C. GRCh37 (hg19) VCF-style: chr9-101068399-G-C.
Identifiers: ClinVar variation 2156252 (VCV002156252.4), dbSNP rs762481463, ClinGen allele CA5152518.
Genomic context (GRCh38, chr9:98,306,117, plus strand): 5'-GCCAGCAATGCCCCTGTGCTGGAGTCAGAGGGCAGAGGCCAGGTGGTGGGGCCAGCGCCT[G>C]TACCTTCGGCACGAATACCAGGCAGAGGGTGATGGTGCTGCAGAAGATGATGACCAGAGC-3'

ClinVar aggregate classification (germline): Uncertain significance (1 of 4 stars; one submission).

Conditions:
Epileptic encephalopathy. Identifiers: MedGen C0543888, HP:0200134.

Allele frequency attached by ClinVar (database versions not stated): gnomAD exomes below 0.00001; TOPMed below 0.00001; ExAC 0.00001.
gnomAD v4.1: 5 of 1,610,694 alleles (0.00031%); highest among the groups gnomAD compares: Admixed American, 0.0033%; no homozygotes.

Submission:

Labcorp Genetics (formerly Invitae), Labcorp
Classification: Uncertain significance for Epileptic encephalopathy. Last evaluated: 2025-12-08. Review status: criteria provided, single submitter. Criteria: Invitae Variant Classification Sherloc (09022015). Collection method: clinical testing. Allele origin: germline.
Comment: This sequence change falls in intron 15 of the GABBR2 gene. It does not directly change the encoded amino acid sequence of the GABBR2 protein. It affects a nucleotide within the consensus splice site. This variant is present in population databases (rs762481463, gnomAD 0.006%). This variant has not been reported in the literature in individuals affected with GABBR2-related conditions. ClinVar contains an entry for this variant (Variation ID: 2156252). Variants that disrupt the consensus splice site are a relatively common cause of aberrant splicing (PMID: 17576681, 9536098). Algorithms developed to predict the effect of sequence changes on RNA splicing suggest that this variant is not likely to affect RNA splicing. In summary, the available evidence is currently insufficient to determine the role of this variant in disease. Therefore, it has been classified as a Variant of Uncertain Significance.

Literature cited by the submitters: PubMed 17576681; PubMed 9536098.